The following is an entry in ClinVar:

ClinVar aggregate classification (germline): Uncertain significance (1 of 4 stars; one submission).

Conditions:
Leukodystrophy, hypomyelinating, 8, with or without oligodontia and/or hypogonadotropic hypogonadism. Also called: Endosteal sclerosis-cerebellar hypoplasia syndrome; Hypomyelinating leukodystrophy 8 with or without oligodontia and-or hypogonadotropic hypogonadism; LEUKODYSTROPHY, HYPOMYELINATING, 8, WITH HYPODONTIA AND HYPOGONADOTROPIC HYPOGONADISM. Identifiers: Orphanet 85186, Orphanet 88637, MedGen C3280644, MONDO:0013722, OMIM 614381.

Allele frequency attached by ClinVar (database versions not stated): TOPMed below 0.00001; ExAC 0.00001; gnomAD 0.00001.

Submission:

Broad Center for Mendelian Genomics, Broad Institute of MIT and Harvard
Classification: Uncertain significance for Leukodystrophy, hypomyelinating, 8, with or without oligodontia and/or hypogonadotropic hypogonadism. Last evaluated: 2022-02-28. Review status: criteria provided, single submitter. Criteria: ACMG Guidelines, 2015. Collection method: curation. Allele origin: germline. Inheritance: Autosomal recessive inheritance.
Comment: The p.Met1062Val variant in POLR3B has been reported in 1 individual in the compound heterozygous state with 4H leukodystrophy (PMID: 30548255), and has been identified in 0.002% (2/113760) of European (non-Finnish) chromosomes by the Genome Aggregation Database (gnomAD; dbSNP ID: rs756242647). Although this variant has been seen in the general population in a heterozygous state, its frequency is low enough to be consistent with a recessive carrier frequency. Computational prediction tools and conservation analyses do not provide strong support for or against an impact to the protein. The number of missense variants reported in POLR3B in the general population is lower than expected, suggesting there is little benign variation in this gene and slightly increasing the possibility that a missense variant in this gene may not be tolerated. In summary, the clinical significance of the p.Tyr1003Cys variant is uncertain. ACMG/AMP Criteria applied: PP2, PM2_supporting, PM3 (Richards 2015).

NM_018082.6(POLR3B):c.3184A>G (p.Met1062Val)

Genes: POLR3B (RNA polymerase III subunit B; plus strand), RFX4-AS1 (RFX4 antisense RNA 1; minus strand). Cytogenetic location: 12q23.3.
Variant type: single nucleotide variant.
Coding change: c.3184A>G on transcript NM_018082.6 (MANE Select); coding-DNA position 3184, A replaced by G.
Protein change: p.Met1062Val; replaces methionine 1062 with valine.
Molecular consequence: missense variant.
Genome position (GRCh38, 1-based): chr12:106,504,166, A>G. VCF-style: chr12-106504166-A-G. GRCh37 (hg19) VCF-style: chr12-106897944-A-G.
Other names: NM_001160708.2:c.3010A>G; c.3010A>G, p.Met1004Val (NM_001160708.2); short protein forms M1062V, M1004V.
Identifiers: ClinVar variation 2412776 (VCV002412776.1), dbSNP rs756242647, ClinGen allele CA6762423.
Genomic context (GRCh38, chr12:106,504,166, plus strand): 5'-GATGGTGGCTTGCGTCTCGGGGAAATGGAACGTGACTGTTTAATCGGTTATGGAGCCAGT[A>G]TGCTTTTGCTAGAGAGACTAATGATTTCAAGTGATGCCTTTGAGGTTGATGTCTGTGGGC-3'
Protein context (NP_060552.4, residues 1052-1072): RDCLIGYGAS[Met1062Val]LLLERLMISS